The following is an entry in ClinVar:

NM_000129.4(F13A1):c.315C>T (p.Val105=)

Gene: F13A1 (coagulation factor XIII A chain; minus strand). Cytogenetic location: 6p25.1.
Variant type: single nucleotide variant.
Coding change: c.315C>T on transcript NM_000129.4 (MANE Select); coding-DNA position 315, C replaced by T.
Protein change: p.Val105=; no amino-acid change (valine 105 retained).
Molecular consequence: synonymous variant.
Genome position (GRCh38, 1-based): chr6:6,305,355, G>A on the plus strand (C>T on the coding strand, the complement: F13A1 is on the minus strand). VCF-style: chr6-6305355-G-A. GRCh37 (hg19) VCF-style: chr6-6305588-G-A.
Identifiers: ClinVar variation 3049962 (VCV003049962.2), dbSNP rs1332625417, ClinGen allele CA448646257.

ClinVar aggregate classification (germline): Likely benign (0 of 4 stars; one submission).

Conditions:
F13A1-related disorder. Also called: F13A1-related condition.

Allele frequency attached by ClinVar (database versions not stated): gnomAD exomes below 0.00001.
gnomAD v4.1: 2 of 1,614,180 alleles (0.00012%); highest among the groups gnomAD compares: African/African-American, 0.0013%; no homozygotes.

Submission:

PreventionGenetics, part of Exact Sciences
Classification: Likely benign for F13A1-related condition. Last evaluated: 2023-12-11. Review status: no assertion criteria provided. Collection method: clinical testing. Allele origin: germline.
Comment: This variant is classified as likely benign based on ACMG/AMP sequence variant interpretation guidelines (Richards et al. 2015 PMID: 25741868, with internal and published modifications).